The following is an entry in ClinVar:

ClinVar aggregate classification (germline): Pathogenic/Likely pathogenic. Review status: criteria provided, multiple submitters, no conflicts (2 of 4 stars). 8 submissions from 8 submitters: Pathogenic (3); Likely pathogenic (5). Last evaluated 2026-01-19.

Conditions:
SKIN/HAIR/EYE PIGMENTATION 1, BLUE/NONBLUE EYES (SHEP1). Also called: EYE COLOR 3; EYE COLOR, BLUE/NONBLUE; EYE COLOR, BROWN/BLUE; HAIR COLOR 3; SKIN/HAIR/EYE PIGMENTATION 1, BLOND/BROWN HAIR; SKIN/HAIR/EYE PIGMENTATION 1, BLUE/BROWN EYES. Identifiers: MedGen C1856895, OMIM 227220.
OCA2-related disorder. Also called: OCA2-related condition.
Tyrosinase-positive oculocutaneous albinism (OCA2). Also called: Albinism, oculocutaneous, type II; ALBINISM II; Oculocutaneous albinism type 2. Identifiers: Orphanet 79432, MedGen C0268495, MONDO:0008746, OMIM 203200.

Allele frequency attached by ClinVar (database versions not stated): gnomAD exomes below 0.00001; ExAC 0.00001; gnomAD 0.00001.
gnomAD v4.1: 8 of 1,613,820 alleles (0.0005%); highest among the groups gnomAD compares: South Asian, 0.0077%; 1 homozygote.

Submissions (8):

Labcorp Genetics (formerly Invitae), Labcorp
Classification: Pathogenic. Last evaluated: 2026-01-19. Review status: criteria provided, single submitter. Criteria: Invitae Variant Classification Sherloc (09022015). Collection method: clinical testing. Allele origin: germline.
Comment: This sequence change replaces leucine, which is neutral and non-polar, with arginine, which is basic and polar, at codon 527 of the OCA2 protein (p.Leu527Arg). This variant is present in population databases (rs779850564, gnomAD 0.003%). This missense change has been observed in individual(s) with autosomal recessive ocular albinism and/or clinical features of oculocutaneous albinism (PMID: 22734612, 23010199). It has also been observed to segregate with disease in related individuals. ClinVar contains an entry for this variant (Variation ID: 1057881). Invitae Evidence Modeling of protein sequence and biophysical properties (such as structural, functional, and spatial information, amino acid conservation, physicochemical variation, residue mobility, and thermodynamic stability) indicates that this missense variant is expected to disrupt OCA2 protein function with a positive predictive value of 80%. For these reasons, this variant has been classified as Pathogenic.

Victorian Clinical Genetics Services, Murdoch Childrens Research Institute
Classification: Pathogenic for Tyrosinase-positive oculocutaneous albinism. Last evaluated: 2025-08-08. Review status: criteria provided, single submitter. Criteria: ACMG Guidelines, 2015. Collection method: clinical testing. Allele origin: germline. Affected: yes.
Comment: This variant is classified as Pathogenic. Evidence in support of pathogenic classification: Variant is present in gnomAD <0.01 for a recessive condition (v4: 6 heterozygote(s), 1 homozygote(s)); This variant has strong previous evidence of pathogenicity in unrelated individuals. This variant has been classified as likely pathogenic and as a VUS by clinical laboratories in ClinVar. It has also been reported in the literature in homozygous and compound heterozygous individuals with OCA (PMIDs: 22734612, 23010199, 38030918); Missense variant predicted to be damaging by in silico tool(s) or highly conserved with a major amino acid change. Additional information: Variant is predicted to result in a missense amino acid change from Leu to Arg; This variant is heterozygous; This gene is associated with autosomal recessive disease; No published functional evidence has been identified for this variant; Another missense variant(s) comparable to the one identified in this case has inconclusive previous evidence for pathogenicity. p.(Leu527Val) has been classified as a VUS by a clinical laboratory in ClinVar; Variant is located in the annotated citrate transporter domain (DECIPHER); Loss of function is a known mechanism of disease in this gene and is associated with brown oculocutaneous albinism (MIM#203200) and oculocutaneous albinism, type II (MIM#203200); Variants in this gene are known to have variable expressivity (PMID: 24518832; OMIM).

First Genomix Gene Laboratory, Genetic Diagnostics Department
Classification: Likely pathogenic for Tyrosinase-positive oculocutaneous albinism. Last evaluated: 2025-03-25. Review status: criteria provided, single submitter. Criteria: ACMG Guidelines, 2015. Collection method: clinical testing. Allele origin: germline. Inheritance: Autosomal recessive inheritance. Affected: no. Observed: 1 variant allele.

Fulgent Genetics
Classification: Likely pathogenic for Tyrosinase-positive oculocutaneous albinism; SKIN/HAIR/EYE PIGMENTATION 1, BLUE/NONBLUE EYES. Last evaluated: 2024-05-08. Review status: criteria provided, single submitter. Criteria: ACMG Guidelines, 2015. Collection method: clinical testing. Allele origin: germline.

Baylor Genetics
Classification: Likely pathogenic for SKIN/HAIR/EYE PIGMENTATION 1, BLUE/NONBLUE EYES. Last evaluated: 2023-10-10. Review status: criteria provided, single submitter. Criteria: ACMG Guidelines, 2015. Collection method: clinical testing. Allele origin: unknown.

Blueprint Genetics
Classification: Pathogenic for OCA2-related disorders. Last evaluated: 2023-03-31. Review status: criteria provided, single submitter. Criteria: ACMG Guidelines, 2015. Collection method: clinical testing. Allele origin: germline. Affected: yes. Observed: 5 variant alleles.

Genetic Services Laboratory, University of Chicago
Classification: Likely pathogenic. Last evaluated: 2017-12-08. Review status: criteria provided, single submitter. Criteria: ACMG Guidelines, 2015. Collection method: clinical testing. Allele origin: germline. Affected: yes.

Neuberg Centre For Genomic Medicine, NCGM
Classification: Likely pathogenic for Tyrosinase-positive oculocutaneous albinism. Review status: criteria provided, single submitter. Criteria: ACMG Guidelines, 2015. Collection method: clinical testing. Allele origin: germline. Inheritance: Autosomal recessive inheritance. Affected: yes.
Comment: In absence of another reportable variant in OCA2 gene, the molecular diagnosis is not confirmed.

Literature cited by the submitters: PubMed 22734612 (cited by Labcorp Genetics (formerly Invitae), Labcorp and Victorian Clinical Genetics Services, Murdoch Childrens Research Institute); PubMed 23010199 (cited by Labcorp Genetics (formerly Invitae), Labcorp and Victorian Clinical Genetics Services, Murdoch Childrens Research Institute); PubMed 38030918 (cited by Victorian Clinical Genetics Services, Murdoch Childrens Research Institute); PubMed 24518832 (cited by Victorian Clinical Genetics Services, Murdoch Childrens Research Institute).

NM_000275.3(OCA2):c.1580T>G (p.Leu527Arg)

Gene: OCA2 (OCA2 melanosomal transmembrane protein; minus strand). Cytogenetic location: 15q13.1.
Variant type: single nucleotide variant.
Coding change: c.1580T>G on transcript NM_000275.3 (MANE Select); coding-DNA position 1580, T replaced by G.
Protein change: p.Leu527Arg; replaces leucine 527 with arginine.
Molecular consequence: missense variant.
Genome position (GRCh38, 1-based): chr15:27,966,746, A>C on the plus strand (T>G on the coding strand, the complement: OCA2 is on the minus strand). VCF-style: chr15-27966746-A-C. GRCh37 (hg19) VCF-style: chr15-28211892-A-C.
Other names: c.1508T>G, p.Leu503Arg (NM_001300984.2); short protein forms L503R, L527R.
Identifiers: ClinVar variation 1057881 (VCV001057881.20), dbSNP rs779850564, ClinGen allele CA7438983.